The following is an entry in ClinVar:

NM_019892.6(INPP5E):c.1638C>T (p.Thr546=)

Gene: INPP5E (inositol polyphosphate-5-phosphatase E; minus strand). Cytogenetic location: 9q34.3.
Variant type: single nucleotide variant.
Coding change: c.1638C>T on transcript NM_019892.6 (MANE Select); coding-DNA position 1638, C replaced by T.
Protein change: p.Thr546=; no amino-acid change (threonine 546 retained).
Molecular consequence: synonymous variant.
Genome position (GRCh38, 1-based): chr9:136,431,029, G>A on the plus strand (C>T on the coding strand, the complement: INPP5E is on the minus strand). VCF-style: chr9-136431029-G-A. GRCh37 (hg19) VCF-style: chr9-139325481-G-A.
Other names: c.1635C>T, p.Thr545= (NM_001318502.2).
Identifiers: ClinVar variation 3685494 (VCV003685494.4).

ClinVar aggregate classification (germline): Likely benign. Review status: criteria provided, multiple submitters, no conflicts (2 of 4 stars). 2 submissions from 2 submitters: Likely benign (2). Last evaluated 2026-05-01.

Conditions:
Joubert syndrome. Also called: Familial aplasia of the vermis; JOUBERT-BOLTSHAUSER SYNDROME. Identifiers: Orphanet 475, MedGen C5979921, MONDO:0018772.

gnomAD v4.1: 2 of 1,612,910 alleles (0.00012%); highest among the groups gnomAD compares: Admixed American, 0.0017%; no homozygotes.

Submissions (2):

CeGaT Center for Human Genetics Tuebingen
Classification: Likely benign. Last evaluated: 2026-05-01. Review status: criteria provided, single submitter. Criteria: CeGaT Center For Human Genetics Tuebingen Variant Classification Criteria Version 2. Collection method: clinical testing. Allele origin: germline. Affected: yes. Observed: 1 variant allele.
Comment: INPP5E: BP4, BP7

Labcorp Genetics (formerly Invitae), Labcorp
Classification: Likely benign for Joubert syndrome. Last evaluated: 2024-05-02. Review status: criteria provided, single submitter. Criteria: Invitae Variant Classification Sherloc (09022015). Collection method: clinical testing. Allele origin: germline.